The following is an entry in ClinVar:

NM_000245.4(MET):c.280G>T (p.Asp94Tyr)

Gene: MET (MET proto-oncogene, receptor tyrosine kinase; plus strand). Cytogenetic location: 7q31.2.
Variant type: single nucleotide variant.
Coding change: c.280G>T on transcript NM_000245.4 (MANE Select); coding-DNA position 280, G replaced by T.
Protein change: p.Asp94Tyr; replaces aspartic acid 94 with tyrosine.
Molecular consequence: missense variant. On other transcripts: intron variant (1).
Genome position (GRCh38, 1-based): chr7:116,699,364, G>T. VCF-style: chr7-116699364-G-T. GRCh37 (hg19) VCF-style: chr7-116339418-G-T.
Other names: c.280G>T, p.Asp94Tyr (NM_001127500.3, NM_001324401.3); c.-91+26787G>T (NM_001324402.2); short protein forms D94Y.
Identifiers: ClinVar variation 411883 (VCV000411883.12), dbSNP rs899151863, ClinGen allele CA16612236.
Genomic context (GRCh38, chr7:116,699,364, plus strand): 5'-AATGAGGAAGACCTTCAGAAGGTTGCTGAGTACAAGACTGGGCCTGTGCTGGAACACCCA[G>T]ATTGTTTCCCATGTCAGGACTGCAGCAGCAAAGCCAATTTATCAGGAGGTGTTTGGAAAG-3'
Protein context (NP_000236.2, residues 84-104): YKTGPVLEHP[Asp94Tyr]CFPCQDCSSK

ClinVar aggregate classification (germline): Uncertain significance. Review status: criteria provided, multiple submitters, no conflicts (2 of 4 stars). 3 submissions from 3 submitters: Uncertain significance (3). Last evaluated 2025-09-19.

Conditions:
Hereditary cancer-predisposing syndrome. Also called: Tumor predisposition; Hereditary Cancer Syndrome; Hereditary neoplastic syndrome; Neoplastic Syndromes, Hereditary. Identifiers: Orphanet 140162, MedGen C0027672, MeSH D009386, MONDO:0015356.
Renal cell carcinoma. Identifiers: Orphanet 217071, MedGen C0007134, MeSH D002292, MONDO:0005086, HP:0005584.

Allele frequency attached by ClinVar (database versions not stated): gnomAD exomes 0.00001.
gnomAD v4.1: 5 of 1,614,032 alleles (0.00031%); highest among the groups gnomAD compares: Non-Finnish European, 0.00042%; no homozygotes.

Submissions (3):

Labcorp Genetics (formerly Invitae), Labcorp
Classification: Uncertain significance for Renal cell carcinoma. Last evaluated: 2025-09-19. Review status: criteria provided, single submitter. Criteria: Invitae Variant Classification Sherloc (09022015). Collection method: clinical testing. Allele origin: germline.
Comment: This sequence change replaces aspartic acid, which is acidic and polar, with tyrosine, which is neutral and polar, at codon 94 of the MET protein (p.Asp94Tyr). This variant is present in population databases (no rsID available, gnomAD 0.003%). This variant has not been reported in the literature in individuals affected with MET-related conditions. ClinVar contains an entry for this variant (Variation ID: 411883). Invitae Evidence Modeling of protein sequence and biophysical properties (such as structural, functional, and spatial information, amino acid conservation, physicochemical variation, residue mobility, and thermodynamic stability) has been performed for this missense variant. However, the output from this modeling did not meet the statistical confidence thresholds required to predict the impact of this variant on MET protein function. In summary, the available evidence is currently insufficient to determine the role of this variant in disease. Therefore, it has been classified as a Variant of Uncertain Significance.

Ambry Genetics
Classification: Uncertain significance for Hereditary cancer-predisposing syndrome. Last evaluated: 2024-03-11. Review status: criteria provided, single submitter. Criteria: Ambry Variant Classification Scheme 2023. Collection method: clinical testing. Allele origin: germline.
Comment: The p.D94Y variant (also known as c.280G>T), located in coding exon 1 of the MET gene, results from a G to T substitution at nucleotide position 280. The aspartic acid at codon 94 is replaced by tyrosine, an amino acid with highly dissimilar properties. This amino acid position is not well conserved in available vertebrate species. In addition, this alteration is predicted to be tolerated by in silico analysis. Since supporting evidence is limited at this time, the clinical significance of this alteration remains unclear.

GeneDx
Classification: Uncertain significance. Last evaluated: 2019-05-14. Review status: criteria provided, single submitter. Criteria: GeneDx Variant Classification Process June 2021. Collection method: clinical testing. Allele origin: germline. Affected: yes.
Comment: Not observed at a significant frequency in large population cohorts (Lek et al., 2016); In silico analysis, which includes protein predictors and evolutionary conservation, supports a deleterious effect; Has not been previously published as pathogenic or benign to our knowledge